The following is an entry in ClinVar:

NM_001009944.3(PKD1):c.10785C>G (p.Ser3595Arg)

Genes: PKD1 (polycystin 1, transient receptor potential channel interacting; minus strand), PKD1-AS1 (PKD1 antisense RNA 1; plus strand). Cytogenetic location: 16p13.3.
Variant type: single nucleotide variant.
Coding change: c.10785C>G on transcript NM_001009944.3 (MANE Select); coding-DNA position 10785, C replaced by G.
Protein change: p.Ser3595Arg; replaces serine 3595 with arginine.
Molecular consequence: missense variant.
Genome position (GRCh38, 1-based): chr16:2,093,847, G>C on the plus strand (C>G on the coding strand, the complement: PKD1 is on the minus strand). VCF-style: chr16-2093847-G-C. GRCh37 (hg19) VCF-style: chr16-2143848-G-C.
Other names: c.10782C>G, p.Ser3594Arg (NM_000296.4); short protein forms S3594R, S3595R.
Identifiers: ClinVar variation 4854776 (VCV004854776.1).

ClinVar aggregate classification (germline): Uncertain significance (1 of 4 stars; one submission).

Conditions:
Polycystic kidney disease, adult type (PKD1). Also called: Polycystic Kidney, Autosomal Dominant; POLYCYSTIC KIDNEY DISEASE, ADULT, TYPE I; Polycystic Kidney Disease 1, Autosomal Dominant; Polycystic kidney disease 1; Polycystic kidney disease 1, severe; POLYCYSTIC KIDNEY DISEASE 1 WITH OR WITHOUT POLYCYSTIC LIVER DISEASE. Identifiers: MedGen C3149841, MONDO:0008263, OMIM 173900.

Submission:

3billion
Classification: Uncertain significance for Polycystic kidney disease, adult type. Last evaluated: 2026-01-22. Review status: criteria provided, single submitter. Criteria: ACMG Guidelines, 2015. Collection method: clinical testing. Allele origin: germline. Affected: yes.
Comment: The variant is not observed in the gnomAD v4.1.0 dataset. Predicted Consequence/Location: Missense variant The variant has been reported as of uncertain significance (ClinVar ID: VCV001805485). Therefore, this variant is classified as VUS according to the recommendation of ACMG/AMP guideline.